The following is an entry in ClinVar:

NM_015192.4(PLCB1):c.967del (p.Ser323fs)

Gene: PLCB1 (phospholipase C beta 1; plus strand). Cytogenetic location: 20p12.3.
Variant type: Deletion.
Coding change: c.967del on transcript NM_015192.4 (MANE Select); coding-DNA position 967, one base deleted (T; older notation c.967delT).
Protein change: p.Ser323fs; shifts the reading frame from serine 323.
Molecular consequence: frameshift variant.
Genome position (GRCh38, 1-based): chr20:8,685,036, T deleted; the last of 3 consecutive T bases (chr20:8,685,034-8,685,036); deleting any one gives the same sequence. VCF-style (leftmost placement, unchanged base first): chr20-8685033-CT-C. GRCh37 (hg19) VCF-style: chr20-8665680-CT-C.
Other names: c.967del, p.Ser323fs (NM_182734.3); short protein forms S323fs.
Identifiers: ClinVar variation 1451701 (VCV001451701.6), dbSNP rs2123399674, ClinGen allele CA2573156910.

ClinVar aggregate classification (germline): Pathogenic (1 of 4 stars; one submission).

Conditions:
Developmental and epileptic encephalopathy, 12 (DEE12). Identifiers: MedGen C3150988, MONDO:0013389, OMIM 613722.

Submission:

Labcorp Genetics (formerly Invitae), Labcorp
Classification: Pathogenic for Developmental and epileptic encephalopathy, 12. Last evaluated: 2021-10-07. Review status: criteria provided, single submitter. Criteria: Invitae Variant Classification Sherloc (09022015). Collection method: clinical testing. Allele origin: germline.
Comment: For these reasons, this variant has been classified as Pathogenic. This variant has not been reported in the literature in individuals affected with PLCB1-related conditions. This variant is not present in population databases (ExAC no frequency). This sequence change creates a premature translational stop signal (p.Ser323Leufs*60) in the PLCB1 gene. It is expected to result in an absent or disrupted protein product. Loss-of-function variants in PLCB1 are known to be pathogenic (PMID: 24684524).

Literature cited by the submitters: PubMed 24684524.